The following is an entry in ClinVar:

ClinVar aggregate classification (germline): Benign. Review status: criteria provided, multiple submitters, no conflicts (2 of 4 stars). 2 submissions from 2 submitters: Benign (2). Last evaluated 2018-06-18.

Allele frequency attached by ClinVar (database versions not stated): ESP Exome Variant Server 0.00246; gnomAD exomes 0.00935 and 0.03741; gnomAD 0.01232 and 0.01279; 1000 Genomes Project 0.01997; 1000 Genomes Project 30x 0.02217; TOPMed 0.02470; ExAC 0.03004.
gnomAD v4.1: 13,861 of 1,441,598 alleles (0.96%); highest among the groups gnomAD compares: Admixed American, 19%; 1,431 homozygotes.

Submissions (2):

GeneDx
Classification: Benign. Last evaluated: 2018-06-18. Review status: criteria provided, single submitter. Criteria: GeneDx Variant Classification (06012015). Collection method: clinical testing. Allele origin: germline. Affected: yes.
Comment: This variant is considered likely benign or benign based on one or more of the following criteria: it is a conservative change, it occurs at a poorly conserved position in the protein, it is predicted to be benign by multiple in silico algorithms, and/or has population frequency not consistent with disease.

Breakthrough Genomics
Classification: Benign. Review status: criteria provided, single submitter. Criteria: ACMG Guidelines, 2015. Collection method: not provided. Allele origin: germline. Inheritance: Autosomal dominant inheritance. Affected: yes.

NM_004519.4(KCNQ3):c.1235+38A>G

Gene: KCNQ3 (potassium voltage-gated channel subfamily Q member 3; minus strand). Cytogenetic location: 8q24.22.
Variant type: single nucleotide variant.
Coding change: c.1235+38A>G on transcript NM_004519.4 (MANE Select); 38 bases into the intron after coding-DNA position 1235, A replaced by G.
Molecular consequence: intron variant.
Genome position (GRCh38, 1-based): chr8:132,170,296, T>C on the plus strand (A>G on the coding strand, the complement: KCNQ3 is on the minus strand). VCF-style: chr8-132170296-T-C. GRCh37 (hg19) VCF-style: chr8-133182543-T-C.
Other names: c.875+38A>G (NM_001204824.2).
Identifiers: ClinVar variation 670765 (VCV000670765.2), dbSNP rs4736555, ClinGen allele CA4880747.
Genomic context (GRCh38, chr8:132,170,296, plus strand): 5'-GAGTGTTCTCCAGGGACCCGTGAGGCCACAGACACGAATACAGACCGCAGGAGAGATGGC[T>C]GGTCACGCCCTGAGCATTCAGGTGAGTCCCCACTTGCCTGAAGAAAGGAAAAGAGACGAC-3'